The following is an entry in ClinVar:

NM_001184.4(ATR):c.2320dup (p.Ile774fs)

Gene: ATR (ATR checkpoint kinase; minus strand). Cytogenetic location: 3q23.
Variant type: Duplication.
Coding change: c.2320dup on transcript NM_001184.4 (MANE Select); coding-DNA position 2320, one base duplicated (A; older notation c.2320dupA).
Protein change: p.Ile774fs; shifts the reading frame from isoleucine 774.
Molecular consequence: frameshift variant.
Genome position (GRCh38, 1-based): chr3:142,555,898, T duplicated on the plus strand (A on the coding strand, the reverse complement: ATR is on the minus strand); the first of 10 consecutive T bases (chr3:142,555,898-142,555,907); duplicating any one gives the same sequence. VCF-style (leftmost placement, unchanged base first): chr3-142555897-A-AT. GRCh37 (hg19) VCF-style: chr3-142274739-A-AT.
Other names: c.2128dup, p.Ile710fs (NM_001354579.2); short protein forms I710fs, I774fs.
Identifiers: ClinVar variation 938417 (VCV000938417.12), dbSNP rs757500301, ClinGen allele CA2650394.

ClinVar aggregate classification (germline): Pathogenic/Likely pathogenic. Review status: criteria provided, multiple submitters, no conflicts (2 of 4 stars). 5 submissions from 5 submitters: Pathogenic (2); Likely pathogenic (3). Last evaluated 2026-01-13.

Conditions:
Seckel syndrome 1 (SCKL1). Also called: MICROCEPHALIC PRIMORDIAL DWARFISM I. Identifiers: Orphanet 808, MedGen C4551474, MONDO:0008869, OMIM 210600.
Familial cutaneous telangiectasia and oropharyngeal predisposition cancer syndrome. Identifiers: Orphanet 313846, MedGen C3281203, MONDO:0013806, OMIM 614564.

Submissions (5):

Labcorp Genetics (formerly Invitae), Labcorp
Classification: Pathogenic. Last evaluated: 2026-01-13. Review status: criteria provided, single submitter. Criteria: Invitae Variant Classification Sherloc (09022015). Collection method: clinical testing. Allele origin: germline.
Comment: This sequence change creates a premature translational stop signal (p.Ile774Asnfs*3) in the ATR gene. It is expected to result in an absent or disrupted protein product. Loss-of-function variants in ATR are known to be pathogenic (PMID: 21228398, 23144622). The frequency data for this variant in the population databases is considered unreliable, as metrics indicate poor data quality at this position in the gnomAD database. This variant has not been reported in the literature in individuals affected with ATR-related conditions. ClinVar contains an entry for this variant (Variation ID: 938417). For these reasons, this variant has been classified as Pathogenic.

Dasa
Classification: Likely pathogenic. Last evaluated: 2025-12-16. Review status: criteria provided, single submitter. Criteria: DASA Assertion Criteria. Collection method: clinical testing. Allele origin: germline.
Comment: NM_001184.4(ATR):c.2320dup (p.Ile774AsnfsTer3) is a frameshift variant in ATR predicted to alter the reading frame and introduce a premature termination codon and is predicted to result in an absent or altered protein product. Loss of function is an established disease mechanism for ATR-associated disorders. Also, this variant is rare in population databases. Based on the currently available evidence, this variant is classified as likely pathogenic.

Fulgent Genetics
Classification: Pathogenic for Seckel syndrome 1; Familial cutaneous telangiectasia and oropharyngeal predisposition cancer syndrome. Last evaluated: 2024-01-17. Review status: criteria provided, single submitter. Criteria: ACMG Guidelines, 2015. Collection method: clinical testing. Allele origin: germline.

Genome-Nilou Lab
Classification: Likely pathogenic for Seckel syndrome 1. Last evaluated: 2023-02-08. Review status: criteria provided, single submitter. Criteria: ACMG Guidelines, 2015. Collection method: clinical testing. Allele origin: germline.

GeneDx
Classification: Likely pathogenic. Last evaluated: 2022-03-03. Review status: criteria provided, single submitter. Criteria: GeneDx Variant Classification Process June 2021. Collection method: clinical testing. Allele origin: germline. Affected: yes.
Comment: Identified in the germline of a patient with colorectal cancer in the literature (Bertelsen et al., 2019) who also had a variant in another gene associated with cancer; Frameshift variant predicted to result in protein truncation or nonsense mediated decay in a gene for which loss-of-function is a known mechanism of disease; This variant is associated with the following publications: (PMID: 31263571)

Literature cited by the submitters: PubMed 21228398 (cited by Labcorp Genetics (formerly Invitae), Labcorp); PubMed 23144622 (cited by Labcorp Genetics (formerly Invitae), Labcorp).